The following is an entry in ClinVar:

NM_016169.4(SUFU):c.811G>T (p.Ala271Ser)

Gene: SUFU (SUFU negative regulator of hedgehog signaling; plus strand). Cytogenetic location: 10q24.32.
Variant type: single nucleotide variant.
Coding change: c.811G>T on transcript NM_016169.4 (MANE Select); coding-DNA position 811, G replaced by T.
Protein change: p.Ala271Ser; replaces alanine 271 with serine.
Molecular consequence: missense variant.
Genome position (GRCh38, 1-based): chr10:102,597,194, G>T. VCF-style: chr10-102597194-G-T. GRCh37 (hg19) VCF-style: chr10-104356951-G-T.
Other names: c.811G>T, p.Ala271Ser (NM_001178133.2); short protein forms A271S.
Identifiers: ClinVar variation 1027059 (VCV001027059.12), dbSNP rs762258680, ClinGen allele CA5667777.
Genomic context (GRCh38, chr10:102,597,194, plus strand): 5'-AAGCAGGAGAGAGTTGACAAAGGCATCGAGACAGATGGCTCCAACCTGAGTGGTGTCAGT[G>T]CCAAGTGTGCCTGGGATGACCTGAGCCGGCCCCCCGAGGATGACGAGGACAGCCGGAGCA-3'
Protein context (NP_057253.2, residues 261-281): TDGSNLSGVS[Ala271Ser]KCAWDDLSRP

ClinVar aggregate classification (germline): Uncertain significance. Review status: criteria provided, multiple submitters, no conflicts (2 of 4 stars). 2 submissions from 2 submitters: Uncertain significance (2). Last evaluated 2026-01-06.

Conditions:
Hereditary cancer-predisposing syndrome. Also called: Hereditary neoplastic syndrome; Neoplastic Syndromes, Hereditary; Tumor predisposition; Hereditary Cancer Syndrome. Identifiers: Orphanet 140162, MedGen C0027672, MeSH D009386, MONDO:0015356.
Medulloblastoma (MDB). Also called: Medulloblastoma, somatic; MEDULLOBLASTOMA PREDISPOSITION SYNDROME. Identifiers: Orphanet 616, MedGen C0025149, MeSH D008527, MONDO:0007959, OMIM 155255, HP:0002885.
Gorlin syndrome. Also called: Nevoid Basal Cell Carcinoma Syndrome; Basal cell nevus syndrome. Identifiers: Orphanet 377, MedGen C0004779, MONDO:0007187.

Allele frequency attached by ClinVar (database versions not stated): gnomAD exomes below 0.00001 and 0.00001; ExAC 0.00001; gnomAD 0.00001; TOPMed 0.00001.
gnomAD v4.1: 9 of 1,613,888 alleles (0.00056%); highest among the groups gnomAD compares: Non-Finnish European, 0.00076%; no homozygotes.

Submissions (2):

Labcorp Genetics (formerly Invitae), Labcorp
Classification: Uncertain significance for Gorlin syndrome; Medulloblastoma. Last evaluated: 2026-01-06. Review status: criteria provided, single submitter. Criteria: Invitae Variant Classification Sherloc (09022015). Collection method: clinical testing. Allele origin: germline.
Comment: This sequence change replaces alanine, which is neutral and non-polar, with serine, which is neutral and polar, at codon 271 of the SUFU protein (p.Ala271Ser). This variant is present in population databases (rs762258680, gnomAD 0.0009%). This variant has not been reported in the literature in individuals affected with SUFU-related conditions. ClinVar contains an entry for this variant (Variation ID: 1027059). Invitae Evidence Modeling of protein sequence and biophysical properties (such as structural, functional, and spatial information, amino acid conservation, physicochemical variation, residue mobility, and thermodynamic stability) indicates that this missense variant is not expected to disrupt SUFU protein function with a negative predictive value of 80%. In summary, the available evidence is currently insufficient to determine the role of this variant in disease. Therefore, it has been classified as a Variant of Uncertain Significance.

Ambry Genetics
Classification: Uncertain significance for Hereditary cancer-predisposing syndrome. Last evaluated: 2024-04-08. Review status: criteria provided, single submitter. Criteria: Ambry Variant Classification Scheme 2023. Collection method: clinical testing. Allele origin: germline.
Comment: The p.A271S variant (also known as c.811G>T), located in coding exon 7 of the SUFU gene, results from a G to T substitution at nucleotide position 811. The alanine at codon 271 is replaced by serine, an amino acid with similar properties. This amino acid position is conserved. In addition, the in silico prediction for this alteration is inconclusive. Since supporting evidence is limited at this time, the clinical significance of this alteration remains unclear.